The following is an entry in ClinVar:

NM_000051.4(ATM):c.3217_3219dup (p.Val1073_Phe1074insVal)

Gene: ATM (ATM serine/threonine kinase; plus strand). Cytogenetic location: 11q22.3.
Variant type: Duplication.
Coding change: c.3217_3219dup on transcript NM_000051.4 (MANE Select); coding-DNA positions 3217 to 3219, 3 bases duplicated (GTA; older notation c.3217_3219dupGTA).
Protein change: p.Val1073_Phe1074insVal.
Molecular consequence: inframe insertion. On other transcripts: inframe indel (1).
Genome position (GRCh38, 1-based): chr11:108,272,785-108,272,787, GTA duplicated; duplicating any 3 consecutive bases within chr11:108,272,784-108,272,787 gives the same sequence; the c. name uses the placement nearest the transcript's 3' end. VCF-style (leftmost placement, unchanged base first): chr11-108272783-A-AAGT. GRCh37 (hg19) VCF-style: chr11-108143510-A-AAGT.
Other names: c.3217_3219dup, p.Val1073_Phe1074insVal (NM_001351834.2); c.3217_3219dupGTA (NM_000051.3).
Identifiers: ClinVar variation 3232907 (VCV003232907.1), dbSNP rs2497723164, ClinGen allele CA2825001823.

ClinVar aggregate classification (germline): Uncertain significance (1 of 4 stars; one submission).

Conditions:
Hereditary cancer-predisposing syndrome. Also called: Neoplastic Syndromes, Hereditary; Tumor predisposition; Hereditary neoplastic syndrome; Hereditary Cancer Syndrome. Identifiers: Orphanet 140162, MedGen C0027672, MeSH D009386, MONDO:0015356.

Submission:

Ambry Genetics
Classification: Uncertain significance for Hereditary cancer-predisposing syndrome. Last evaluated: 2024-02-29. Review status: criteria provided, single submitter. Criteria: Ambry Variant Classification Scheme 2023. Collection method: clinical testing. Allele origin: germline.
Comment: The c.3217_3219dupGTA variant (also known as p.V1073dup), located in coding exon 21 of the ATM gene, results from an in-frame duplication of GTA at nucleotide positions 3217 to 3219. This results in the duplication of an extra residue between codons 1073 and 1074. This amino acid position is not well conserved in available vertebrate species. In addition, the in silico prediction for this alteration is inconclusive (Choi Y et al. PLoS ONE. 2012; 7(10):e46688). Based on the available evidence, the clinical significance of this alteration remains unclear.